The following is an entry in ClinVar:

ClinVar aggregate classification (germline): Uncertain significance. Review status: criteria provided, multiple submitters, no conflicts (2 of 4 stars). 2 submissions from 2 submitters: Uncertain significance (2). Last evaluated 2026-04-01.

Allele frequency attached by ClinVar (database versions not stated): TOPMed below 0.00001; ExAC 0.00002.
gnomAD v4.1: 2 of 1,613,810 alleles (0.00012%); highest among the groups gnomAD compares: East Asian, 0.0045%; no homozygotes.

Submissions (2):

CeGaT Center for Human Genetics Tuebingen
Classification: Uncertain significance. Last evaluated: 2026-04-01. Review status: criteria provided, single submitter. Criteria: CeGaT Center For Human Genetics Tuebingen Variant Classification Criteria Version 2. Collection method: clinical testing. Allele origin: germline. Affected: yes. Observed: 1 variant allele.
Comment: DDR2: PM2

Labcorp Genetics (formerly Invitae), Labcorp
Classification: Uncertain significance. Last evaluated: 2022-05-05. Review status: criteria provided, single submitter. Criteria: Invitae Variant Classification Sherloc (09022015). Collection method: clinical testing. Allele origin: germline.
Comment: This sequence change replaces valine, which is neutral and non-polar, with methionine, which is neutral and non-polar, at codon 10 of the DDR2 protein (p.Val10Met). This variant is present in population databases (rs775402435, gnomAD 0.02%). This variant has not been reported in the literature in individuals affected with DDR2-related conditions. Algorithms developed to predict the effect of missense changes on protein structure and function output the following: SIFT: "Tolerated"; PolyPhen-2: "Not Available"; Align-GVGD: "Class C0". The methionine amino acid residue is found in multiple mammalian species, which suggests that this missense change does not adversely affect protein function. In summary, the available evidence is currently insufficient to determine the role of this variant in disease. Therefore, it has been classified as a Variant of Uncertain Significance.

NM_006182.4(DDR2):c.28G>A (p.Val10Met)

Gene: DDR2 (discoidin domain receptor tyrosine kinase 2; plus strand). Cytogenetic location: 1q23.3.
Variant type: single nucleotide variant.
Coding change: c.28G>A on transcript NM_006182.4 (MANE Select); coding-DNA position 28, G replaced by A.
Protein change: p.Val10Met; replaces valine 10 with methionine.
Molecular consequence: missense variant.
Genome position (GRCh38, 1-based): chr1:162,719,091, G>A. VCF-style: chr1-162719091-G-A. GRCh37 (hg19) VCF-style: chr1-162688881-G-A.
Other names: c.28G>A, p.Val10Met (NM_001014796.3, NM_001354982.2, NM_001354983.2); short protein forms V10M.
Identifiers: ClinVar variation 2144365 (VCV002144365.6), dbSNP rs775402435, ClinGen allele CA1217140.